The following is an entry in ClinVar:

ClinVar aggregate classification (germline): Uncertain significance (1 of 4 stars; one submission).

Conditions:
VPS13B-related disorder. Also called: VPS13B-related condition.

gnomAD v4.1: 3 of 1,613,854 alleles (0.00019%); highest among the groups gnomAD compares: Admixed American, 0.005%; no homozygotes.

Submission:

PreventionGenetics, part of Exact Sciences
Classification: Uncertain significance for VPS13B-related condition. Last evaluated: 2024-11-26. Review status: criteria provided, single submitter. Criteria: ACMG Guidelines, 2015. Collection method: clinical testing. Allele origin: germline.
Comment: The VPS13B c.10279C>G variant is predicted to result in the amino acid substitution p.Leu3427Val. To our knowledge, this variant has not been reported in the literature. This variant is reported in 0.0058% of alleles in individuals of Latino descent in gnomAD. At this time, the clinical significance of this variant is uncertain due to the absence of conclusive functional and genetic evidence.

NM_152564.5(VPS13B):c.10279C>G (p.Leu3427Val)

Gene: VPS13B (vacuolar protein sorting 13 homolog B; plus strand). Cytogenetic location: 8q22.2.
Variant type: single nucleotide variant.
Coding change: c.10279C>G on transcript NM_152564.5 (MANE Select); coding-DNA position 10279, C replaced by G.
Protein change: p.Leu3427Val; replaces leucine 3427 with valine.
Molecular consequence: missense variant.
Genome position (GRCh38, 1-based): chr8:99,853,668, C>G. VCF-style: chr8-99853668-C-G. GRCh37 (hg19) VCF-style: chr8-100865896-C-G.
Other names: c.10354C>G, p.Leu3452Val (NM_017890.5); short protein forms L3427V, L3452V.
Identifiers: ClinVar variation 4989530 (VCV004989530.1).